The following is an entry in ClinVar:

NM_001082.5(CYP4F2):c.919-9T>G

Gene: CYP4F2 (cytochrome P450 family 4 subfamily F member 2; minus strand). Cytogenetic location: 19p13.12.
Variant type: single nucleotide variant.
Coding change: c.919-9T>G on transcript NM_001082.5 (MANE Select); 9 bases into the intron before coding-DNA position 919, T replaced by G.
Molecular consequence: intron variant.
Genome position (GRCh38, 1-based): chr19:15,886,317, A>C on the plus strand (T>G on the coding strand, the complement: CYP4F2 is on the minus strand). VCF-style: chr19-15886317-A-C. GRCh37 (hg19) VCF-style: chr19-15997127-A-C.
Identifiers: ClinVar variation 3033266 (VCV003033266.2), dbSNP rs201836634, ClinGen allele CA9273841.
Genomic context (GRCh38, chr19:15,886,317, plus strand): 5'-TGTCAGCTTCTGCTCTTATGTCCTCATCAGATAACTTCTTCCCGTCTTCATCCTGGAGAG[A>C]AGGCAGTAACCCCCCCCAACCCCCACCCCCATAAAAAGTCACACTAGCTCTAAGGGCTCT-3'

ClinVar aggregate classification (germline): Likely benign (0 of 4 stars; one submission).

Conditions:
CYP4F2-related disorder. Also called: CYP4F2-related condition.

Allele frequency attached by ClinVar (database versions not stated): gnomAD 0.00015; ExAC 0.00016; TOPMed 0.00016; 1000 Genomes Project 0.00020; 1000 Genomes Project 30x 0.00031; gnomAD exomes 0.00031.
gnomAD v4.1: 462 of 1,608,564 alleles (0.029%); highest among the groups gnomAD compares: Non-Finnish European, 0.037%; no homozygotes.

Submission:

PreventionGenetics, part of Exact Sciences
Classification: Likely benign for CYP4F2-related condition. Last evaluated: 2019-11-06. Review status: no assertion criteria provided. Collection method: clinical testing. Allele origin: germline.
Comment: This variant is classified as likely benign based on ACMG/AMP sequence variant interpretation guidelines (Richards et al. 2015 PMID: 25741868, with internal and published modifications).